The following is an entry in ClinVar:

ClinVar aggregate classification (germline): Uncertain significance (1 of 4 stars; one submission).

Allele frequency attached by ClinVar (database versions not stated): gnomAD 0.00005; ESP Exome Variant Server 0.00008.
gnomAD v4.1: 39 of 1,612,786 alleles (0.0024%); highest among the groups gnomAD compares: Admixed American, 0.02%; no homozygotes.

Submission:

Labcorp Genetics (formerly Invitae), Labcorp
Classification: Uncertain significance. Last evaluated: 2025-03-04. Review status: criteria provided, single submitter. Criteria: Invitae Variant Classification Sherloc (09022015). Collection method: clinical testing. Allele origin: germline.
Comment: This sequence change replaces arginine, which is basic and polar, with glutamine, which is neutral and polar, at codon 906 of the CACNA2D4 protein (p.Arg906Gln). This variant is present in population databases (rs189066664, gnomAD 0.02%). This variant has not been reported in the literature in individuals affected with CACNA2D4-related conditions. ClinVar contains an entry for this variant (Variation ID: 1061914). An algorithm developed to predict the effect of missense changes on protein structure and function outputs the following: PolyPhen-2: "Benign". The glutamine amino acid residue is found in multiple mammalian species, which suggests that this missense change does not adversely affect protein function. In summary, the available evidence is currently insufficient to determine the role of this variant in disease. Therefore, it has been classified as a Variant of Uncertain Significance.

NM_172364.5(CACNA2D4):c.2717G>A (p.Arg906Gln)

Gene: CACNA2D4 (calcium voltage-gated channel auxiliary subunit alpha2delta 4; minus strand). Cytogenetic location: 12p13.33.
Variant type: single nucleotide variant.
Coding change: c.2717G>A on transcript NM_172364.5 (MANE Select); coding-DNA position 2717, G replaced by A.
Protein change: p.Arg906Gln; replaces arginine 906 with glutamine.
Molecular consequence: missense variant.
Genome position (GRCh38, 1-based): chr12:1,810,282, C>T on the plus strand (G>A on the coding strand, the complement: CACNA2D4 is on the minus strand). VCF-style: chr12-1810282-C-T. GRCh37 (hg19) VCF-style: chr12-1919448-C-T.
Other names: short protein forms R906Q.
Identifiers: ClinVar variation 1061914 (VCV001061914.5), dbSNP rs189066664, ClinGen allele CA6386243.